The following is an entry in ClinVar:

ClinVar aggregate classification (germline): Uncertain significance. Review status: criteria provided, multiple submitters, no conflicts (2 of 4 stars). 8 submissions from 8 submitters: Uncertain significance (8). Last evaluated 2025-12-08.

Conditions:
CDH1-related disorder. Also called: CDH1-related condition.
Hereditary cancer-predisposing syndrome. Also called: Hereditary neoplastic syndrome; Neoplastic Syndromes, Hereditary; Hereditary Cancer Syndrome; Tumor predisposition. Identifiers: Orphanet 140162, MedGen C0027672, MeSH D009386, MONDO:0015356.
Hereditary diffuse gastric adenocarcinoma (HDGC). Also called: DIFFUSE GASTRIC AND LOBULAR BREAST CANCER SYNDROME. Identifiers: Orphanet 26106, MedGen C1708349, MONDO:0007648, OMIM 137215.

Allele frequency attached by ClinVar (database versions not stated): gnomAD 0.00001; gnomAD exomes below 0.00001; ExAC 0.00001.
gnomAD v4.1: 4 of 1,613,940 alleles (0.00025%); highest among the groups gnomAD compares: African/African-American, 0.0013%; no homozygotes.

Submissions (8):

Dasa
Classification: Uncertain significance. Last evaluated: 2025-12-08. Review status: criteria provided, single submitter. Criteria: DASA Assertion Criteria. Collection method: clinical testing. Allele origin: germline.
Comment: NM_004360.5(CDH1):c.2351G>A (p.Arg784His) is a missense variant that results in the substitution of arginine with histidine. This variant has been recurrently observed in individuals with related phenotype (PMID: 35264596; PMID: 29348693; PMID: 26123647). The variant is present at low frequency in population datasets. Based on the available data, this variant is classified as variant of uncertain significance.

Labcorp Genetics (formerly Invitae), Labcorp
Classification: Uncertain significance for Hereditary diffuse gastric adenocarcinoma. Last evaluated: 2025-09-15. Review status: criteria provided, single submitter. Criteria: Invitae Variant Classification Sherloc (09022015). Collection method: clinical testing. Allele origin: germline.
Comment: This sequence change replaces arginine, which is basic and polar, with histidine, which is basic and polar, at codon 784 of the CDH1 protein (p.Arg784His). This variant is present in population databases (rs763203357, gnomAD 0.0009%). This missense change has been observed in individual(s) with breast cancer or nonsyndromic cleft lip with or without cleft palate, that had no family history of cancer (PMID: 26123647, 35264596). ClinVar contains an entry for this variant (Variation ID: 220271). An algorithm developed to predict the effect of missense changes on protein structure and function (PolyPhen-2) suggests that this variant is likely to be disruptive. Experimental studies are conflicting or provide insufficient evidence to determine the effect of this variant on CDH1 function (PMID: 26123647). In summary, the available evidence is currently insufficient to determine the role of this variant in disease. Therefore, it has been classified as a Variant of Uncertain Significance.

Molecular Pathology, Peter Maccallum Cancer Centre
Classification: Uncertain significance for Hereditary diffuse gastric adenocarcinoma. Last evaluated: 2024-09-04. Review status: criteria provided, single submitter. Criteria: ACMG Guidelines, 2015. Collection method: clinical testing. Allele origin: germline. Inheritance: Autosomal dominant inheritance.

Ambry Genetics
Classification: Uncertain significance for Hereditary cancer-predisposing syndrome. Last evaluated: 2023-11-15. Review status: criteria provided, single submitter. Criteria: Ambry Variant Classification Scheme 2023. Collection method: clinical testing. Allele origin: germline.
Comment: The p.R784H variant (also known as c.2351G>A), located in coding exon 15 of the CDH1 gene, results from a G to A substitution at nucleotide position 2351. The arginine at codon 784 is replaced by histidine, an amino acid with highly similar properties. This alteration was identified in a proband with nonsyndromic cleft lip and palate, as well as three other affected relatives with nonsyndromic cleft lip with or without cleft palate; however, this alteration was not present in one relative with a submucosal cleft palate, and there were no reported cancer diagnoses in the family (Brito LA et al. Hum Mutat. 2015 Nov;36:1029-33). This alteration was also detected in a cohort of 1663 Brazilian breast cancer patients who underwent hereditary multigene panel testing (Guindalini RSC et al. Sci Rep, 2022 Mar;12:4190). This amino acid position is highly conserved in available vertebrate species. In addition, this alteration is predicted to be deleterious by in silico analysis. Since supporting evidence is limited at this time, the clinical significance of this alteration remains unclear. Since supporting evidence is limited at this time, the clinical significance of this alteration remains unclear.

PreventionGenetics, part of Exact Sciences
Classification: Uncertain significance for CDH1-related condition. Last evaluated: 2023-07-31. Review status: criteria provided, single submitter. Criteria: ACMG Guidelines, 2015. Collection method: clinical testing. Allele origin: germline.
Comment: The CDH1 c.2351G>A variant is predicted to result in the amino acid substitution p.Arg784His. To our knowledge, this variant has not been reported to be associated with cancer in the literature. However, this variant has been described in association with isolated cleft lip/palate in a single family without a history of cancer (Brito et al. 2015. PubMed ID: 26123647). However, functional studies found this variant does not impact CDH1 function (Brito et al. 2015. PubMed ID: 26123647). This variant is reported in 0.00088% of alleles in individuals of European (Non-Finnish) descent in gnomAD and is interpreted as uncertain in ClinVar. At this time, the clinical significance of this variant is uncertain due to the absence of conclusive functional and genetic evidence.

Color Diagnostics, LLC DBA Color Health
Classification: Uncertain significance for Hereditary cancer-predisposing syndrome. Last evaluated: 2021-11-01. Review status: criteria provided, single submitter. Criteria: ACMG Guidelines, 2015. Collection method: clinical testing. Allele origin: germline.
Comment: This missense variant replaces arginine with histidine at codon 784 of the CDH1 protein. Functional studies have demonstrated normal protein expression, plasma membrane localization, adhesive behavior, and invasive potential (PMID: 26123647). This variant has not been reported in individuals affected with hereditary cancer in the literature, but has been observed in several members of a family with Nonsyndromic cleft lip with or without cleft palate (NSCL/P; PMID: 26123647). This variant has been identified in 1/251462 chromosomes in the general population by the Genome Aggregation Database (gnomAD). The available evidence is insufficient to determine the role of this variant in disease conclusively. Therefore, this variant is classified as a Variant of Uncertain Significance.

GeneDx
Classification: Uncertain significance. Last evaluated: 2019-11-05. Review status: criteria provided, single submitter. Criteria: GeneDx Variant Classification Process June 2021. Collection method: clinical testing. Allele origin: germline. Affected: yes.
Comment: Not observed at a significant frequency in large population cohorts (Lek 2016); In silico analysis, which includes protein predictors and evolutionary conservation, supports a deleterious effect; Published functional studies demonstrate no damaging effect: normal protein expression, cellular localization, adhesion, and invasive ability in vitro (Brito 2015); Observed to segregate with disease in a family with nonsyndromic cleft lip and palate (Brito 2015); This variant is associated with the following publications: (PMID: 26123647, 29348693, 25801821, 31638429, 30661051)

Mendelics
Classification: Uncertain significance for Hereditary diffuse gastric cancer. Last evaluated: 2018-07-02. Review status: criteria provided, single submitter. Criteria: Mendelics Assertion Criteria 2017. Collection method: clinical testing. Allele origin: unknown.

Literature cited by the submitters: PubMed 35264596 (cited by 3 submitters); PubMed 29348693 (cited by Dasa); PubMed 26123647 (cited by 4 submitters).

NM_004360.5(CDH1):c.2351G>A (p.Arg784His)

Gene: CDH1 (cadherin 1; plus strand). Cytogenetic location: 16q22.1.
Variant type: single nucleotide variant.
Coding change: c.2351G>A on transcript NM_004360.5 (MANE Select); coding-DNA position 2351, G replaced by A.
Protein change: p.Arg784His; replaces arginine 784 with histidine.
Molecular consequence: missense variant.
Genome position (GRCh38, 1-based): chr16:68,829,709, G>A. VCF-style: chr16-68829709-G-A. GRCh37 (hg19) VCF-style: chr16-68863612-G-A.
Other names: c.2168G>A, p.Arg723His (NM_001317184.2); c.803G>A, p.Arg268His (NM_001317185.2); c.386G>A, p.Arg129His (NM_001317186.2); c.2351G>A (NM_004360.4); short protein forms R784H, R268H, R723H, R129H.
Identifiers: ClinVar variation 220271 (VCV000220271.21), dbSNP rs763203357, ClinGen allele CA348375.
Genomic context (GRCh38, chr16:68,829,709, plus strand): 5'-CAAAGGACTTTGACTTGAGCCAGCTGCACAGGGGCCTGGACGCTCGGCCTGAAGTGACTC[G>A]TAACGACGTTGCACCAACCCTCATGAGTGTCCCCCGGTATCTTCCCCGCCCTGCCAATCC-3'
Protein context (NP_004351.1, residues 774-794): RGLDARPEVT[Arg784His]NDVAPTLMSV